The following is an entry in ClinVar:

NM_003849.4(SUCLG1):c.640A>C (p.Thr214Pro)

Gene: SUCLG1 (succinate-CoA ligase GDP/ADP-forming subunit alpha; minus strand). Cytogenetic location: 2p11.2.
Variant type: single nucleotide variant.
Coding change: c.640A>C on transcript NM_003849.4 (MANE Select); coding-DNA position 640, A replaced by C.
Protein change: p.Thr214Pro; replaces threonine 214 with proline.
Molecular consequence: missense variant.
Genome position (GRCh38, 1-based): chr2:84,433,385, T>G on the plus strand (A>C on the coding strand, the complement: SUCLG1 is on the minus strand). VCF-style: chr2-84433385-T-G. GRCh37 (hg19) VCF-style: chr2-84660509-T-G.
Other names: c.640A>C (NM_003849.3); short protein forms T214P.
Identifiers: ClinVar variation 1036157 (VCV001036157.6), dbSNP rs35594530, ClinGen allele CA52253614.

ClinVar aggregate classification (germline): Uncertain significance. Review status: criteria provided, multiple submitters, no conflicts (2 of 4 stars). 2 submissions from 2 submitters: Uncertain significance (2). Last evaluated 2021-12-14.

Conditions:
Inborn genetic diseases. Identifiers: MedGen C0950123, MeSH D030342.
Mitochondrial DNA depletion syndrome 9 (MTDPS9). Also called: SUCLG1-Related Mitochondrial DNA Depletion Syndrome, Encephalomyopathic Form with Methylmalonic Aciduria. Identifiers: Orphanet 17, MedGen C3151476, MONDO:0009504, OMIM 245400.

Allele frequency attached by ClinVar (database versions not stated): TOPMed 0.00006.

Submissions (2):

Ambry Genetics
Classification: Uncertain significance for Inborn genetic diseases. Last evaluated: 2021-12-14. Review status: criteria provided, single submitter. Criteria: Ambry Variant Classification Scheme 2023. Collection method: clinical testing. Allele origin: germline.

Labcorp Genetics (formerly Invitae), Labcorp
Classification: Uncertain significance for Mitochondrial DNA depletion syndrome 9. Last evaluated: 2021-08-26. Review status: criteria provided, single submitter. Criteria: Invitae Variant Classification Sherloc (09022015). Collection method: clinical testing. Allele origin: germline.
Comment: This sequence change replaces threonine with proline at codon 214 of the SUCLG1 protein (p.Thr214Pro). The threonine residue is highly conserved and there is a small physicochemical difference between threonine and proline. This variant is not present in population databases (ExAC no frequency). This variant has not been reported in the literature in individuals affected with SUCLG1-related conditions. Algorithms developed to predict the effect of missense changes on protein structure and function (SIFT, PolyPhen-2, Align-GVGD) all suggest that this variant is likely to be disruptive. In summary, the available evidence is currently insufficient to determine the role of this variant in disease. Therefore, it has been classified as a Variant of Uncertain Significance.